The following is an entry in ClinVar:

ClinVar aggregate classification (germline): Pathogenic (1 of 4 stars; one submission).

Conditions:
Melanoma-pancreatic cancer syndrome. Identifiers: Orphanet 404560, MedGen C1838547, MONDO:0011713, OMIM 606719. Disease mechanism: loss of function.

Submission:

Myriad Genetics, Inc.
Classification: Pathogenic for Melanoma-pancreatic cancer syndrome. Last evaluated: 2023-03-17. Review status: criteria provided, single submitter. Criteria: Myriad Autosomal Dominant, Autosomal Recessive and X-Linked Classification Criteria (2023). Collection method: clinical testing. Allele origin: unknown.
Comment: This variant is considered pathogenic. This variant creates a frameshift predicted to result in premature protein truncation.

NM_058195.4(CDKN2A):c.106del (p.Ala36fs)

Gene: CDKN2A (cyclin dependent kinase inhibitor 2A; minus strand). Cytogenetic location: 9p21.3.
Variant type: Deletion.
Coding change: c.106del on transcript NM_058195.4 (MANE Plus Clinical); coding-DNA position 106, one base deleted (G; older notation c.106delG).
Protein change: p.Ala36fs; shifts the reading frame from alanine 36.
Molecular consequence: frameshift variant. On other transcripts: intron variant (1).
Genome position (GRCh38, 1-based): chr9:21,994,226, C deleted on the plus strand (G on the coding strand, the reverse complement: CDKN2A is on the minus strand). VCF-style (leftmost placement, unchanged base first): chr9-21994225-GC-G. GRCh37 (hg19) VCF-style: chr9-21994224-GC-G.
Other names: c.-4+595del (NM_001363763.2); short protein forms A36fs.
Identifiers: ClinVar variation 2573238 (VCV002573238.1), dbSNP rs2489327427, ClinGen allele CA2580616160.